The following is an entry in ClinVar:

ClinVar aggregate classification (germline): Uncertain significance (1 of 4 stars; one submission).

Conditions:
Early Myoclonic Encephalopathy. Identifiers: MedGen C0270855.

Allele frequency attached by ClinVar (database versions not stated): gnomAD 0.00001; TOPMed 0.00001.
gnomAD v4.1: 11 of 1,613,462 alleles (0.00068%); highest among the groups gnomAD compares: East Asian, 0.0022%; no homozygotes.

Submission:

Labcorp Genetics (formerly Invitae), Labcorp
Classification: Uncertain significance for Early Myoclonic Encephalopathy. Last evaluated: 2024-05-02. Review status: criteria provided, single submitter. Criteria: Invitae Variant Classification Sherloc (09022015). Collection method: clinical testing. Allele origin: germline.
Comment: This sequence change replaces glutamic acid, which is acidic and polar, with lysine, which is basic and polar, at codon 496 of the KCND2 protein (p.Glu496Lys). This variant is present in population databases (no rsID available, gnomAD 0.0009%). This variant has not been reported in the literature in individuals affected with KCND2-related conditions. Advanced modeling of protein sequence and biophysical properties (such as structural, functional, and spatial information, amino acid conservation, physicochemical variation, residue mobility, and thermodynamic stability) performed at Invitae indicates that this missense variant is not expected to disrupt KCND2 protein function with a negative predictive value of 80%. In summary, the available evidence is currently insufficient to determine the role of this variant in disease. Therefore, it has been classified as a Variant of Uncertain Significance.

NM_012281.3(KCND2):c.1486G>A (p.Glu496Lys)

Gene: KCND2 (potassium voltage-gated channel subfamily D member 2; plus strand). Cytogenetic location: 7q31.31.
Variant type: single nucleotide variant.
Coding change: c.1486G>A on transcript NM_012281.3 (MANE Select); coding-DNA position 1486, G replaced by A.
Protein change: p.Glu496Lys; replaces glutamic acid 496 with lysine.
Molecular consequence: missense variant.
Genome position (GRCh38, 1-based): chr7:120,745,798, G>A. VCF-style: chr7-120745798-G-A. GRCh37 (hg19) VCF-style: chr7-120385852-G-A.
Other names: short protein forms E496K.
Identifiers: ClinVar variation 2790451 (VCV002790451.3), dbSNP rs1044289793, ClinGen allele CA165830125.